The following is an entry in ClinVar:

ClinVar aggregate classification (germline): Benign. Review status: criteria provided, single submitter (1 of 4 stars). 2 submissions from 2 submitters: Benign (1). 1 of the submissions does not count toward it. Last evaluated 2025-03-26.

Conditions:
GATA binding protein 1 related thrombocytopenia with dyserythropoiesis. Also called: GATA1-Related X-Linked Cytopenia; GATA1-Related Cytopenia. Identifiers: MedGen C1845837, MONDO:0100089.
Diamond-Blackfan anemia. Also called: Blackfan Diamond syndrome; Aregenerative anemia chronic congenital; Red cell aplasia, pure hereditary; Congenital hypoplastic anemia; Aase syndrome. Identifiers: Orphanet 124, MedGen C1260899, MeSH D029503, MONDO:0015253, HP:0004810.
GATA1-related disorder. Also called: GATA1-related condition.

Allele frequency attached by ClinVar (database versions not stated): TOPMed 0.00002; gnomAD 0.00005 and 0.00006; gnomAD exomes 0.00007 and 0.00011; ESP Exome Variant Server 0.00009; ExAC 0.00010.
gnomAD v4.1: 120 of 1,209,760 alleles (0.0099%); highest among the groups gnomAD compares: Non-Finnish European, 0.012%; no homozygotes.

Submissions (2):

Labcorp Genetics (formerly Invitae), Labcorp
Classification: Benign for GATA binding protein 1 related thrombocytopenia with dyserythropoiesis; Diamond-Blackfan anemia. Last evaluated: 2025-03-26. Review status: criteria provided, single submitter. Criteria: Invitae Variant Classification Sherloc (09022015). Collection method: clinical testing. Allele origin: germline.

PreventionGenetics, part of Exact Sciences
Classification: Likely benign for GATA1-related condition. Last evaluated: 2024-02-02. Review status: no assertion criteria provided. Collection method: clinical testing. Allele origin: germline. Not counted in ClinVar's aggregate classification.
Comment: This variant is classified as likely benign based on ACMG/AMP sequence variant interpretation guidelines (Richards et al. 2015 PMID: 25741868, with internal and published modifications).

NM_002049.4(GATA1):c.744+5G>A

Gene: GATA1 (GATA binding protein 1; plus strand). Cytogenetic location: Xp11.23.
Variant type: single nucleotide variant.
Coding change: c.744+5G>A on transcript NM_002049.4 (MANE Select); 5 bases into the intron after coding-DNA position 744, G replaced by A.
Molecular consequence: intron variant.
Genome position (GRCh38, 1-based): chrX:48,792,473, G>A. VCF-style: chrX-48792473-G-A. GRCh37 (hg19) VCF-style: chrX-48650880-G-A.
Identifiers: ClinVar variation 705411 (VCV000705411.13), dbSNP rs376546932, ClinGen allele CA10404652.